The following is an entry in ClinVar:

ClinVar aggregate classification (germline): Likely benign (1 of 4 stars; one submission).

Submission:

Mayo Clinic Laboratories, Mayo Clinic
Classification: Likely benign. Last evaluated: 2024-12-31. Review status: criteria provided, single submitter. Criteria: ACMG Guidelines, 2015. Collection method: clinical testing. Allele origin: germline. Observed: 1 variant allele.
Comment: BP4, BP7

NM_030943.4(AMN):c.652-15C>A

Gene: AMN (amnion associated transmembrane protein; plus strand). Cytogenetic location: 14q32.32.
Variant type: single nucleotide variant.
Coding change: c.652-15C>A on transcript NM_030943.4 (MANE Select); 15 bases into the intron before coding-DNA position 652, C replaced by A.
Molecular consequence: intron variant.
Genome position (GRCh38, 1-based): chr14:102,929,413, C>A. VCF-style: chr14-102929413-C-A. GRCh37 (hg19) VCF-style: chr14-103395750-C-A.
Other names: p.?; c.490-15C>A (NM_001425246.1).
Identifiers: ClinVar variation 4683936 (VCV004683936.1).